The following is an entry in ClinVar:

NM_001130823.3(DNMT1):c.4884A>T (p.Glu1628Asp)

Gene: DNMT1 (DNA methyltransferase 1; minus strand). Cytogenetic location: 19p13.2.
Variant type: single nucleotide variant.
Coding change: c.4884A>T on transcript NM_001130823.3 (MANE Select); coding-DNA position 4884, A replaced by T.
Protein change: p.Glu1628Asp; replaces glutamic acid 1628 with aspartic acid.
Molecular consequence: missense variant.
Genome position (GRCh38, 1-based): chr19:10,133,682, T>A on the plus strand (A>T on the coding strand, the complement: DNMT1 is on the minus strand). VCF-style: chr19-10133682-T-A. GRCh37 (hg19) VCF-style: chr19-10244358-T-A.
Other names: c.4845A>T, p.Glu1615Asp (NM_001318730.2); c.4521A>T, p.Glu1507Asp (NM_001318731.2); c.4836A>T, p.Glu1612Asp (NM_001379.4); short protein forms E1507D, E1612D, E1628D, E1615D.
Identifiers: ClinVar variation 1984472 (VCV001984472.12), dbSNP rs370070174, ClinGen allele CA9187355.
Genomic context (GRCh38, chr19:10,133,682, plus strand): 5'-TTGGGGATTCCTGGTGCCAGAAACAGGGGTGACGGGAGGGCAGAACTAGTCCTTAGCAGC[T>A]TCCTCCTCCTTTATTTTAGCTGAAGGGAAATAAAAGGAAAAGTCACTCTGGGGAACACGC-3'
Protein context (NP_001124295.1, residues 1618-1632): ESASAKIKEE[Glu1628Asp]AAKD

ClinVar aggregate classification (germline): Conflicting classifications of pathogenicity. Review status: criteria provided, conflicting classifications (1 of 4 stars). 2 submissions from 2 submitters: Uncertain significance (1); Likely benign (1). Last evaluated 2025-06-01.

Conditions:
Hereditary sensory neuropathy-deafness-dementia syndrome. Also called: Hereditary Sensory and Autonomic Neuropathy Type 1E (HSAN1E); NEUROPATHY, HEREDITARY SENSORY, WITH HEARING LOSS AND DEMENTIA; HSN IE; Hereditary sensory neuropathy type IE. Identifiers: Orphanet 456318, MedGen C3279885, MONDO:0013584, OMIM 614116.

Allele frequency attached by ClinVar (database versions not stated): ExAC 0.00002; TOPMed 0.00002; gnomAD 0.00003; gnomAD exomes 0.00003; ESP Exome Variant Server 0.00008.
gnomAD v4.1: 41 of 1,597,334 alleles (0.0026%); highest among the groups gnomAD compares: Non-Finnish European, 0.0032%; no homozygotes.

Submissions (2):

CeGaT Center for Human Genetics Tuebingen
Classification: Likely benign. Last evaluated: 2025-06-01. Review status: criteria provided, single submitter. Criteria: CeGaT Center For Human Genetics Tuebingen Variant Classification Criteria Version 2. Collection method: clinical testing. Allele origin: germline. Affected: yes. Observed: 1 variant allele.
Comment: DNMT1: BP4, BS2

Labcorp Genetics (formerly Invitae), Labcorp
Classification: Uncertain significance for Hereditary sensory neuropathy-deafness-dementia syndrome. Last evaluated: 2024-11-10. Review status: criteria provided, single submitter. Criteria: Invitae Variant Classification Sherloc (09022015). Collection method: clinical testing. Allele origin: germline.
Comment: This sequence change replaces glutamic acid, which is acidic and polar, with aspartic acid, which is acidic and polar, at codon 1628 of the DNMT1 protein (p.Glu1628Asp). This variant is present in population databases (rs370070174, gnomAD 0.005%). This variant has not been reported in the literature in individuals affected with DNMT1-related conditions. ClinVar contains an entry for this variant (Variation ID: 1984472). Experimental studies and prediction algorithms are not available or were not evaluated, and the functional significance of this variant is currently unknown. In summary, the available evidence is currently insufficient to determine the role of this variant in disease. Therefore, it has been classified as a Variant of Uncertain Significance.